The following is an entry in ClinVar:

ClinVar aggregate classification (germline): Conflicting classifications of pathogenicity. Review status: criteria provided, conflicting classifications (1 of 4 stars). 12 submissions from 12 submitters: Uncertain significance (1); Likely benign (8). 3 of the submissions do not count toward it. Last evaluated 2026-01-26.

Conditions:
Cardiovascular phenotype. Identifiers: MedGen CN230736.
Brugada syndrome 8 (BRGDA8). Identifiers: Orphanet 130, MedGen C2751083, MONDO:0013148, OMIM 613123.

Allele frequency attached by ClinVar (database versions not stated): gnomAD 0.00012 and 0.00013; TOPMed 0.00017.

Submissions (12):

Labcorp Genetics (formerly Invitae), Labcorp
Classification: Likely benign for Brugada syndrome 8. Last evaluated: 2026-01-26. Review status: criteria provided, single submitter. Criteria: Invitae Variant Classification Sherloc (09022015). Collection method: clinical testing. Allele origin: germline.

Molecular Diagnostic Laboratory for Inherited Cardiovascular Disease, Montreal Heart Institute
Classification: Likely benign. Last evaluated: 2025-04-09. Review status: criteria provided, single submitter. Criteria: ACMG Guidelines, 2015. Collection method: clinical testing. Allele origin: germline. Affected: no.
Comment: BP6;BP7

Blueprint Genetics
Classification: Likely benign. Last evaluated: 2024-07-25. Review status: criteria provided, single submitter. Criteria: ACMG Guidelines, 2015. Collection method: clinical testing. Allele origin: germline.

ARUP Laboratories, Molecular Genetics and Genomics, ARUP Laboratories
Classification: Likely benign. Last evaluated: 2024-07-05. Review status: criteria provided, single submitter. Criteria: ARUP Molecular Germline Variant Investigation Process 2024. Collection method: clinical testing. Allele origin: germline.

CeGaT Center for Human Genetics Tuebingen
Classification: Likely benign. Last evaluated: 2023-03-01. Review status: criteria provided, single submitter. Criteria: CeGaT Center For Human Genetics Tuebingen Variant Classification Criteria Version 2. Collection method: clinical testing. Allele origin: germline. Affected: yes. Observed: 1 variant allele.
Comment: HCN4: BP4, BP7

GeneDx
Classification: Likely benign. Last evaluated: 2019-10-31. Review status: criteria provided, single submitter. Criteria: GeneDx Variant Classification Process June 2021. Collection method: clinical testing. Allele origin: germline. Affected: yes.

Athena Diagnostics
Classification: Likely benign. Last evaluated: 2019-06-26. Review status: criteria provided, single submitter. Criteria: Athena Diagnostics Criteria. Collection method: clinical testing. Allele origin: germline.

Ambry Genetics
Classification: Likely benign for Cardiovascular phenotype. Last evaluated: 2015-07-17. Review status: criteria provided, single submitter. Criteria: Ambry Variant Classification Scheme 2023. Collection method: clinical testing. Allele origin: germline.

Eurofins Ntd Llc (ga)
Classification: Uncertain significance. Last evaluated: 2015-07-13. Review status: criteria provided, single submitter. Criteria: EGL Classification Definitions 2015. Collection method: clinical testing. Allele origin: germline. Observed: 2 variant alleles, 2 heterozygotes.

Clinical Genetics, Academic Medical Center
Classification: Benign. Review status: no assertion criteria provided. Collection method: clinical testing. Allele origin: germline. Affected: yes. Study: VKGL Data-share Consensus. Not counted in ClinVar's aggregate classification.

Diagnostic Laboratory, Department of Genetics, University Medical Center Groningen
Classification: Likely benign. Review status: no assertion criteria provided. Collection method: clinical testing. Allele origin: germline. Affected: yes. Study: VKGL Data-share Consensus. Not counted in ClinVar's aggregate classification.

Genome Diagnostics Laboratory, University Medical Center Utrecht
Classification: Likely benign. Review status: no assertion criteria provided. Collection method: clinical testing. Allele origin: germline. Affected: yes. Study: VKGL Data-share Consensus. Not counted in ClinVar's aggregate classification.

NM_005477.3(HCN4):c.621C>G (p.Arg207=)

Gene: HCN4 (hyperpolarization activated cyclic nucleotide gated potassium channel 4; minus strand). Cytogenetic location: 15q24.1.
Variant type: single nucleotide variant.
Coding change: c.621C>G on transcript NM_005477.3 (MANE Select); coding-DNA position 621, C replaced by G.
Protein change: p.Arg207=; no amino-acid change (arginine 207 retained).
Molecular consequence: synonymous variant.
Genome position (GRCh38, 1-based): chr15:73,367,650, G>C on the plus strand (C>G on the coding strand, the complement: HCN4 is on the minus strand). VCF-style: chr15-73367650-G-C. GRCh37 (hg19) VCF-style: chr15-73659991-G-C.
Identifiers: ClinVar variation 167172 (VCV000167172.66), dbSNP rs727503958, ClinGen allele CA234116.